The following is an entry in ClinVar:

ClinVar aggregate classification (germline): Uncertain significance (1 of 4 stars; one submission).

Submission:

GeneDx
Classification: Uncertain significance. Last evaluated: 2023-11-19. Review status: criteria provided, single submitter. Criteria: GeneDx Variant Classification Process June 2021. Collection method: clinical testing. Allele origin: germline. Affected: yes.
Comment: Not observed at significant frequency in large population cohorts (gnomAD); In silico analysis supports that this missense variant has a deleterious effect on protein structure/function; Has not been previously published as pathogenic or benign to our knowledge

NM_006015.6(ARID1A):c.3397C>T (p.Pro1133Ser)

Gene: ARID1A (AT-rich interaction domain 1A; plus strand). Cytogenetic location: 1p36.11.
Variant type: single nucleotide variant.
Coding change: c.3397C>T on transcript NM_006015.6 (MANE Select); coding-DNA position 3397, C replaced by T.
Protein change: p.Pro1133Ser; replaces proline 1133 with serine.
Molecular consequence: missense variant.
Genome position (GRCh38, 1-based): chr1:26,771,317, C>T. VCF-style: chr1-26771317-C-T. GRCh37 (hg19) VCF-style: chr1-27097808-C-T.
Other names: c.3397C>T, p.Pro1133Ser (NM_139135.4); short protein forms P1133S.
Identifiers: ClinVar variation 3364532 (VCV003364532.1).